The following is an entry in ClinVar:

NM_004006.3(DMD):c.1620G>A (p.Trp540Ter)

Gene: DMD (dystrophin; minus strand). Cytogenetic location: Xp21.1.
Variant type: single nucleotide variant.
Coding change: c.1620G>A on transcript NM_004006.3 (MANE Select); coding-DNA position 1620, G replaced by A.
Protein change: p.Trp540Ter; replaces tryptophan 540 with a stop codon.
Molecular consequence: nonsense.
Genome position (GRCh38, 1-based): chrX:32,573,829, C>T on the plus strand (G>A on the coding strand, the complement: DMD is on the minus strand). VCF-style: chrX-32573829-C-T. GRCh37 (hg19) VCF-style: chrX-32591946-C-T.
Other names: c.1596G>A, p.Trp532Ter (NM_000109.4); c.1608G>A, p.Trp536Ter (NM_004009.3); c.1251G>A, p.Trp417Ter (NM_004010.3); short protein forms W540*, W536*, W417*, W532*.
Identifiers: ClinVar variation 597288 (VCV000597288.7), dbSNP rs1569230389, ClinGen allele CA412673503.

ClinVar aggregate classification (germline): Pathogenic. Review status: criteria provided, multiple submitters, no conflicts (2 of 4 stars). 2 submissions from 2 submitters: Pathogenic (2). Last evaluated 2018-05-21.

Submissions (2):

Eurofins Ntd Llc (ga)
Classification: Pathogenic. Last evaluated: 2018-05-21. Review status: criteria provided, single submitter. Criteria: EGL ClinVar v180209 classification definitions. Collection method: clinical testing. Allele origin: germline. Observed: 1 variant allele, 1 heterozygote.

GeneDx
Classification: Pathogenic. Last evaluated: 2016-12-23. Review status: criteria provided, single submitter. Criteria: GeneDx Variant Classification Process June 2021. Collection method: clinical testing. Allele origin: germline. Affected: yes.
Comment: Based on the understanding of this genetic alteration, it may be amenable to nonsense read-through therapy that is currently available or in clinical trial; This variant is associated with the following publications: (PMID: 15643612, 19937601, 32962870)